The following is an entry in ClinVar:

ClinVar aggregate classification (germline): Uncertain significance (1 of 4 stars; one submission).

Submission:

GeneDx
Classification: Uncertain significance. Last evaluated: 2023-10-05. Review status: criteria provided, single submitter. Criteria: GeneDx Variant Classification Process June 2021. Collection method: clinical testing. Allele origin: germline. Affected: yes.
Comment: Not observed at significant frequency in large population cohorts (gnomAD); In silico analysis supports that this missense variant does not alter protein structure/function; Has not been previously published as pathogenic or benign to our knowledge

NM_006565.4(CTCF):c.1759A>G (p.Asn587Asp)

Gene: CTCF (CCCTC-binding factor; plus strand). Cytogenetic location: 16q22.1.
Variant type: single nucleotide variant.
Coding change: c.1759A>G on transcript NM_006565.4 (MANE Select); coding-DNA position 1759, A replaced by G.
Protein change: p.Asn587Asp; replaces asparagine 587 with aspartic acid.
Molecular consequence: missense variant.
Genome position (GRCh38, 1-based): chr16:67,629,455, A>G. VCF-style: chr16-67629455-A-G. GRCh37 (hg19) VCF-style: chr16-67663358-A-G.
Other names: c.775A>G, p.Asn259Asp (NM_001191022.2); c.1759A>G, p.Asn587Asp (NM_001363916.2); short protein forms N259D, N587D.
Identifiers: ClinVar variation 3252971 (VCV003252971.1), dbSNP rs2543491942.